The following is an entry in ClinVar:

ClinVar aggregate classification (germline): Uncertain significance. Review status: criteria provided, single submitter (1 of 4 stars). 2 submissions from 2 submitters: Uncertain significance (1). 1 of the submissions does not count toward it. Last evaluated 2021-05-09.

Conditions:
Cardiovascular phenotype. Identifiers: MedGen CN230736.
ALMS1-related disorder. Also called: ALMS1-related condition.

Submissions (2):

Ambry Genetics
Classification: Uncertain significance for Cardiovascular phenotype. Last evaluated: 2021-05-09. Review status: criteria provided, single submitter. Criteria: Ambry Variant Classification Scheme 2023. Collection method: clinical testing. Allele origin: germline.
Comment: The p.I2837V variant (also known as c.8509A>G), located in coding exon 10 of the ALMS1 gene, results from an A to G substitution at nucleotide position 8509. The isoleucine at codon 2837 is replaced by valine, an amino acid with highly similar properties. This amino acid position is poorly conserved in available vertebrate species. In addition, this alteration is predicted to be tolerated by in silico analysis. Since supporting evidence is limited at this time, the clinical significance of this alteration remains unclear.

PreventionGenetics, part of Exact Sciences
Classification: Uncertain significance for ALMS1-related condition. Last evaluated: 2023-11-12. Review status: no assertion criteria provided. Collection method: clinical testing. Allele origin: germline. Not counted in ClinVar's aggregate classification.
Comment: The ALMS1 c.8509A>G variant is predicted to result in the amino acid substitution p.Ile2837Val. To our knowledge, this variant has not been reported in the literature. This variant is reported in 0.026% of alleles in individuals of Latino descent in gnomAD. At this time, the clinical significance of this variant is uncertain due to the absence of conclusive functional and genetic evidence.

NM_001378454.1(ALMS1):c.8506A>G (p.Ile2836Val)

Gene: ALMS1 (ALMS1 centrosome and basal body associated protein; plus strand). Cytogenetic location: 2p13.1.
Variant type: single nucleotide variant.
Coding change: c.8506A>G on transcript NM_001378454.1 (MANE Select); coding-DNA position 8506, A replaced by G.
Protein change: p.Ile2836Val; replaces isoleucine 2836 with valine.
Molecular consequence: missense variant.
Genome position (GRCh38, 1-based): chr2:73,490,465, A>G. VCF-style: chr2-73490465-A-G. GRCh37 (hg19) VCF-style: chr2-73717592-A-G.
Other names: c.8509A>G, p.Ile2837Val (NM_015120.4); short protein forms I2836V, I2837V.
Identifiers: ClinVar variation 1763669 (VCV001763669.3), dbSNP rs2466216245, ClinGen allele CA347269191.
Genomic context (GRCh38, chr2:73,490,465, plus strand): 5'-GATTTTACAGGCAGTCATTCTGAGCCCAGTACCAGGGCAAATTGTAGCAATTTCAAGGAA[A>G]TTCAGATTTCTGATAACCATACCCTTATTAGCATGGGCAGACCAAGTTCCACCCTAGGAG-3'
Protein context (NP_001365383.1, residues 2826-2846): TRANCSNFKE[Ile2836Val]QISDNHTLIS